The following is an entry in ClinVar:

GRCh38/hg38 10q23.31(chr10:88439108-88978831)x3

Genes: ACTA2 (actin alpha 2, smooth muscle; minus strand), ACTA2-AS1 (ACTA2 antisense RNA 1; plus strand), ANKRD22 (ankyrin repeat domain 22; minus strand), FAS (Fas cell surface death receptor; plus strand), LIPF (lipase F, gastric type; plus strand) and 18 more. Cytogenetic location: 10q23.31.
Variant type: copy number gain.
Change: copy number 3 (three copies instead of two) of chr10:88,439,108-88,978,831 (539.7 kb, GRCh38 coordinates, 1-based), cytogenetic band 10q23.31.
Identifiers: ClinVar variation 57094 (VCV000057094.1).

ClinVar aggregate classification (germline): Uncertain significance (1 of 4 stars; one submission).

Submission:

ISCA site 4
Classification: Uncertain significance. Last evaluated: 2011-08-12. Review status: criteria provided, single submitter. Criteria: Kaminsky et al. (Genet Med. 2011). Collection method: clinical testing. Allele origin: paternal. Affected: yes. Observed: 1 variant allele.
Comment: Copy number variation identified through the course of routine clinical cytogenomic testing in postnatal populations. Clinical assertions have been curated as described in Kaminsky et al. 2011.